The following is an entry in ClinVar:

ClinVar aggregate classification (germline): Uncertain significance. Review status: criteria provided, multiple submitters, no conflicts (2 of 4 stars). 2 submissions from 2 submitters: Uncertain significance (2). Last evaluated 2022-06-23.

Allele frequency attached by ClinVar (database versions not stated): gnomAD 0.00001 and 0.00002; TOPMed 0.00002.
gnomAD v4.1: 26 of 1,519,896 alleles (0.0017%); highest among the groups gnomAD compares: Middle Eastern, 0.017%; no homozygotes.

Submissions (2):

Labcorp Genetics (formerly Invitae), Labcorp
Classification: Uncertain significance. Last evaluated: 2022-06-23. Review status: criteria provided, single submitter. Criteria: Invitae Variant Classification Sherloc (09022015). Collection method: clinical testing. Allele origin: germline.
Comment: This sequence change replaces histidine, which is basic and polar, with glutamine, which is neutral and polar, at codon 233 of the CPLANE1 protein (p.His233Gln). This variant is present in population databases (no rsID available, gnomAD 0.004%). This variant has not been reported in the literature in individuals affected with CPLANE1-related conditions. Advanced modeling of protein sequence and biophysical properties (such as structural, functional, and spatial information, amino acid conservation, physicochemical variation, residue mobility, and thermodynamic stability) performed at Invitae indicates that this missense variant is not expected to disrupt CPLANE1 protein function. In summary, the available evidence is currently insufficient to determine the role of this variant in disease. Therefore, it has been classified as a Variant of Uncertain Significance.

Blueprint Genetics
Classification: Uncertain significance. Last evaluated: 2019-05-10. Review status: criteria provided, single submitter. Criteria: ACMG Guidelines, 2015. Collection method: clinical testing. Allele origin: germline.

NM_001384732.1(CPLANE1):c.699T>A (p.His233Gln)

Gene: CPLANE1 (ciliogenesis and planar polarity effector complex subunit 1; minus strand). Cytogenetic location: 5p13.2.
Variant type: single nucleotide variant.
Coding change: c.699T>A on transcript NM_001384732.1 (MANE Select); coding-DNA position 699, T replaced by A.
Protein change: p.His233Gln; replaces histidine 233 with glutamine.
Molecular consequence: missense variant.
Genome position (GRCh38, 1-based): chr5:37,239,848, A>T on the plus strand (T>A on the coding strand, the complement: CPLANE1 is on the minus strand). VCF-style: chr5-37239848-A-T. GRCh37 (hg19) VCF-style: chr5-37239950-A-T.
Other names: c.699T>A, p.His233Gln (NM_023073.4); short protein forms H233Q.
Identifiers: ClinVar variation 1378685 (VCV001378685.4), dbSNP rs762115051, ClinGen allele CA359516826.